The following is an entry in ClinVar:

NM_058004.4(PI4KA):c.2421C>T (p.Phe807=)

Gene: PI4KA (phosphatidylinositol 4-kinase alpha; minus strand). Cytogenetic location: 22q11.21.
Variant type: single nucleotide variant.
Coding change: c.2421C>T on transcript NM_058004.4 (MANE Select); coding-DNA position 2421, C replaced by T.
Protein change: p.Phe807=; no amino-acid change (phenylalanine 807 retained).
Molecular consequence: synonymous variant.
Genome position (GRCh38, 1-based): chr22:20,765,601, G>A on the plus strand (C>T on the coding strand, the complement: PI4KA is on the minus strand). VCF-style: chr22-20765601-G-A. GRCh37 (hg19) VCF-style: chr22-21119889-G-A.
Other names: c.2421C>T, p.Phe807= (NM_001362862.2); c.2355C>T, p.Phe785= (NM_001362863.2).
Identifiers: ClinVar variation 3036588 (VCV003036588.2), dbSNP rs563441336, ClinGen allele CA10115728.

ClinVar aggregate classification (germline): Likely benign (0 of 4 stars; one submission).

Conditions:
PI4KA-related disorder. Also called: PI4KA-related condition; PI4KA-related disorders. Identifiers: MedGen CN378147, MONDO:1040012.

Allele frequency attached by ClinVar (database versions not stated): gnomAD 0.00002; TOPMed 0.00002; gnomAD exomes 0.00005; ExAC 0.00011; 1000 Genomes Project 0.00020; 1000 Genomes Project 30x 0.00031.
gnomAD v4.1: 75 of 1,602,760 alleles (0.0047%); highest among the groups gnomAD compares: South Asian, 0.076%; 1 homozygote.

Submission:

PreventionGenetics, part of Exact Sciences
Classification: Likely benign for PI4KA-related condition. Last evaluated: 2022-10-21. Review status: no assertion criteria provided. Collection method: clinical testing. Allele origin: germline.
Comment: This variant is classified as likely benign based on ACMG/AMP sequence variant interpretation guidelines (Richards et al. 2015 PMID: 25741868, with internal and published modifications).